The following is an entry in ClinVar:

NM_001042492.3(NF1):c.5801T>G (p.Phe1934Cys)

Gene: NF1 (neurofibromin 1; plus strand). Cytogenetic location: 17q11.2.
Variant type: single nucleotide variant.
Coding change: c.5801T>G on transcript NM_001042492.3 (MANE Select); coding-DNA position 5801, T replaced by G.
Protein change: p.Phe1934Cys; replaces phenylalanine 1934 with cysteine.
Molecular consequence: missense variant.
Genome position (GRCh38, 1-based): chr17:31,330,487, T>G. VCF-style: chr17-31330487-T-G. GRCh37 (hg19) VCF-style: chr17-29657505-T-G.
Other names: c.5738T>G, p.Phe1913Cys (NM_000267.4); short protein forms F1913C, F1934C.
Identifiers: ClinVar variation 1058629 (VCV001058629.7), dbSNP rs2151544987, ClinGen allele CA399010505.

ClinVar aggregate classification (germline): Uncertain significance. Review status: criteria provided, multiple submitters, no conflicts (2 of 4 stars). 2 submissions from 2 submitters: Uncertain significance (2). Last evaluated 2020-10-08.

Conditions:
Cardiovascular phenotype. Identifiers: MedGen CN230736.
Hereditary cancer-predisposing syndrome. Also called: Tumor predisposition; Neoplastic Syndromes, Hereditary; Hereditary Cancer Syndrome; Hereditary neoplastic syndrome. Identifiers: Orphanet 140162, MedGen C0027672, MeSH D009386, MONDO:0015356.
Neurofibromatosis, type 1 (NF1). Also called: NEUROFIBROMATOSIS, TYPE I, SOMATIC; Neurofibromatosis, type I; VON RECKLINGHAUSEN DISEASE; Peripheral type neurofibromatosis. Identifiers: Orphanet 636, MedGen C0027831, MONDO:0018975, OMIM 162200. Disease mechanism: loss of function.

gnomAD v4.1: 1 of 1,609,302 alleles (0.000062%); highest among the groups gnomAD compares: Non-Finnish European, 0.000085%; no homozygotes.

Submissions (2):

Labcorp Genetics (formerly Invitae), Labcorp
Classification: Uncertain significance for Neurofibromatosis, type 1. Last evaluated: 2020-10-08. Review status: criteria provided, single submitter. Criteria: Invitae Variant Classification Sherloc (09022015). Collection method: clinical testing. Allele origin: germline.
Comment: In summary, the available evidence is currently insufficient to determine the role of this variant in disease. Therefore, it has been classified as a Variant of Uncertain Significance. Advanced modeling of protein sequence and biophysical properties (such as structural, functional, and spatial information, amino acid conservation, physicochemical variation, residue mobility, and thermodynamic stability) performed at Invitae indicates that this missense variant is expected to disrupt NF1 protein function. This variant has not been reported in the literature in individuals with NF1-related conditions. This variant is not present in population databases (ExAC no frequency). This sequence change replaces phenylalanine with cysteine at codon 1913 of the NF1 protein (p.Phe1913Cys). The phenylalanine residue is moderately conserved and there is a large physicochemical difference between phenylalanine and cysteine.

Ambry Genetics
Classification: Uncertain significance for Cardiovascular phenotype; Hereditary cancer-predisposing syndrome. Last evaluated: 2020-09-29. Review status: criteria provided, single submitter. Criteria: Ambry Variant Classification Scheme 2023. Collection method: clinical testing. Allele origin: germline.
Comment: The p.F1913C variant (also known as c.5738T>G), located in coding exon 38 of the NF1 gene, results from a T to G substitution at nucleotide position 5738. The phenylalanine at codon 1913 is replaced by cysteine, an amino acid with highly dissimilar properties. This missense alteration is located in a region that has a low rate of benign missense variation (Lek M et al. Nature. 2016 Aug 18;536(7616):285-91; DECIPHER: Database of Chromosomal Imbalance and Phenotype in Humans using Ensembl Resources. Firth H.V. et al. 2009. Am.J.Hum.Genet. 84, 524-533 (DOI)). This amino acid position is highly conserved in available vertebrate species. In addition, this alteration is predicted to be deleterious by in silico analysis. Since supporting evidence is limited at this time, the clinical significance of this alteration remains unclear.